The following is an entry in ClinVar:

ClinVar aggregate classification (germline): Pathogenic (1 of 4 stars; one submission).

Conditions:
Mitochondrial DNA depletion syndrome 1. Also called: POLIP SYNDROME; POLYNEUROPATHY, OPHTHALMOPLEGIA, LEUKOENCEPHALOPATHY, AND INTESTINAL PSEUDOOBSTRUCTION; Mitochondrial Neurogastrointestinal Encephalopathy Disease; MITOCHONDRIAL NEUROGASTROINTESTINAL ENCEPHALOPATHY SYNDROME, TYMP-RELATED; MNGIE, TYMP-RELATED; Mitochondrial neurogastrointestinal encephalomyopathy syndrome. Identifiers: Orphanet 298, MedGen C4551995, MONDO:0011283, OMIM 603041.

Submission:

Myriad Genetics, Inc.
Classification: Pathogenic for Mitochondrial DNA depletion syndrome 1. Last evaluated: 2026-03-19. Review status: criteria provided, single submitter. Criteria: Myriad Autosomal Dominant, Autosomal Recessive and X-Linked Classification Criteria (2023). Collection method: clinical testing. Allele origin: unknown.
Comment: NM_001953.4(TYMP):c.274_275ins19(T92Rfs*4) is expected to be pathogenic in the context of mitochondrial neurogastrointestinal encephalopathy disease. This variant is predicted to lead to an abnormal or absent protein product due to the creation of a premature termination codon in TYMP, a gene where loss-of-function variants are known to be pathogenic. Please note: this variant was assessed in the context of healthy population screening.

NM_001953.5(TYMP):c.274_275insGATGTGTATAAGAGACAGT (p.Thr92delinsArgCysValTer)

Genes: TYMP (thymidine phosphorylase; minus strand), LOC130067864 (ATAC-STARR-seq lymphoblastoid active region 19325; plus strand). Cytogenetic location: 22q13.33.
Variant type: Insertion.
Coding change: c.274_275insGATGTGTATAAGAGACAGT on transcript NM_001953.5 (MANE Select); coding-DNA positions 274 to 275, GATGTGTATAAGAGACAGT inserted.
Protein change: p.Thr92delinsArgCysValTer.
Molecular consequence: nonsense.
Genome position: GRCh38 VCF-style: chr22-50529278-G-GACTGTCTCTTATACACATC. GRCh37 (hg19) VCF-style: chr22-50967707-G-GACTGTCTCTTATACACATC.
Other names: c.274_275insGATGTGTATAAGAGACAGT, p.Thr92delinsArgCysValTer (NM_001113755.3, NM_001113756.3, NM_001257988.1 and 1 more transcripts).
Identifiers: ClinVar variation 5011156 (VCV005011156.1).